The following is an entry in ClinVar:

ClinVar aggregate classification (germline): Uncertain significance (1 of 4 stars; one submission).

Submission:

Labcorp Genetics (formerly Invitae), Labcorp
Classification: Uncertain significance. Last evaluated: 2022-08-19. Review status: criteria provided, single submitter. Criteria: Invitae Variant Classification Sherloc (09022015). Collection method: clinical testing. Allele origin: germline.
Comment: In summary, the available evidence is currently insufficient to determine the role of this variant in disease. Therefore, it has been classified as a Variant of Uncertain Significance. Algorithms developed to predict the effect of sequence changes on RNA splicing suggest that this variant may disrupt the consensus splice site. This variant has not been reported in the literature in individuals affected with C5-related conditions. This variant is present in population databases (rs781059860, gnomAD 0.002%). This variant, c.3180_3200del, results in the deletion of 7 amino acid(s) of the C5 protein (p.Arg1060_Tyr1066del), but otherwise preserves the integrity of the reading frame.

NM_001735.3(C5):c.3180_3200del (p.Arg1060_Tyr1066del)

Gene: C5 (complement C5; minus strand). Cytogenetic location: 9q33.2.
Variant type: Deletion.
Coding change: c.3180_3200del on transcript NM_001735.3 (MANE Select); coding-DNA positions 3180 to 3200, 21 bases deleted (AAATGCTGACTACTCTTACAG).
Protein change: p.Arg1060_Tyr1066del.
Molecular consequence: inframe deletion.
Genome position (GRCh38, 1-based): chr9:120,989,076-120,989,096, CTGTAAGAGTAGTCAGCATTT deleted on the plus strand (AAATGCTGACTACTCTTACAG on the coding strand, the reverse complement: C5 is on the minus strand); deleting any 21 consecutive bases within chr9:120,989,076-120,989,101 gives the same sequence; the c. name uses the placement nearest the transcript's 3' end. VCF-style (leftmost placement, unchanged base first): chr9-120989075-ACTGTAAGAGTAGTCAGCATTT-A. GRCh37 (hg19) VCF-style: chr9-123751353-ACTGTAAGAGTAGTCAGCATTT-A.
Other names: c.3198_3218del, p.Arg1066_Tyr1072del (NM_001317163.2).
Identifiers: ClinVar variation 2092962 (VCV002092962.2), dbSNP rs781059860, ClinGen allele CA5217541.